The following is an entry in ClinVar:

NM_004208.4(AIFM1):c.956T>A (p.Leu319His)

Genes: AIFM1 (apoptosis inducing factor mitochondria associated 1; minus strand), RAB33A (RAB33A, member RAS oncogene family; plus strand). Cytogenetic location: Xq26.1.
Variant type: single nucleotide variant.
Coding change: c.956T>A on transcript NM_004208.4 (MANE Select); coding-DNA position 956, T replaced by A.
Protein change: p.Leu319His; replaces leucine 319 with histidine.
Molecular consequence: missense variant. On other transcripts: non-coding transcript variant (1).
Genome position (GRCh38, 1-based): chrX:130,138,604, A>T on the plus strand (T>A on the coding strand, the complement: AIFM1 is on the minus strand). VCF-style: chrX-130138604-A-T. GRCh37 (hg19) VCF-style: chrX-129272579-A-T.
Other names: c.956T>A, p.Leu319His (NM_001130847.4); c.944T>A, p.Leu315His (NM_145812.3); short protein forms L315H, L319H.
Identifiers: ClinVar variation 968157 (VCV000968157.9), dbSNP rs2030463268, ClinGen allele CA414580700.

ClinVar aggregate classification (germline): Uncertain significance (1 of 4 stars; one submission).

Conditions:
Combined oxidative phosphorylation deficiency. Identifiers: MedGen C4540031, MONDO:0000732.
Charcot-Marie-Tooth Neuropathy X. Identifiers: MedGen CN118851.

Submission:

Labcorp Genetics (formerly Invitae), Labcorp
Classification: Uncertain significance for Charcot-Marie-Tooth Neuropathy X; Combined oxidative phosphorylation deficiency. Last evaluated: 2020-01-26. Review status: criteria provided, single submitter. Criteria: Invitae Variant Classification Sherloc (09022015). Collection method: clinical testing. Allele origin: germline.
Comment: This variant has not been reported in the literature in individuals with AIFM1-related conditions. In summary, the available evidence is currently insufficient to determine the role of this variant in disease. Therefore, it has been classified as a Variant of Uncertain Significance. Algorithms developed to predict the effect of missense changes on protein structure and function are either unavailable or do not agree on the potential impact of this missense change (SIFT: "Deleterious"; PolyPhen-2: "Probably Damaging"; Align-GVGD: "Class C0"). This variant is not present in population databases (ExAC no frequency). This sequence change replaces leucine with histidine at codon 319 of the AIFM1 protein (p.Leu319His). The leucine residue is highly conserved and there is a moderate physicochemical difference between leucine and histidine.